The following is an entry in ClinVar:

NM_001292034.3(TAB2):c.1764+1G>T

Gene: TAB2 (TGF-beta activated kinase 1 (MAP3K7) binding protein 2; plus strand). Cytogenetic location: 6q25.1.
Variant type: single nucleotide variant.
Coding change: c.1764+1G>T on transcript NM_001292034.3 (MANE Select); the canonical splice donor site of the intron after coding-DNA position 1764, G replaced by T.
Molecular consequence: splice donor variant.
Genome position (GRCh38, 1-based): chr6:149,397,765, G>T. VCF-style: chr6-149397765-G-T. GRCh37 (hg19) VCF-style: chr6-149718901-G-T.
Other names: c.1668+1G>T (NM_001292035.3); c.1764+1G>T (NM_001369506.1, NM_015093.6).
Identifiers: ClinVar variation 4711475 (VCV004711475.1).

ClinVar aggregate classification (germline): Pathogenic (1 of 4 stars; one submission).

Submission:

Labcorp Genetics (formerly Invitae), Labcorp
Classification: Pathogenic. Last evaluated: 2025-03-12. Review status: criteria provided, single submitter. Criteria: Invitae Variant Classification Sherloc (09022015). Collection method: clinical testing. Allele origin: germline.
Comment: This sequence change affects a donor splice site in intron 6 of the TAB2 gene. It is expected to disrupt RNA splicing. Variants that disrupt the donor or acceptor splice site typically lead to a loss of protein function (PMID: 16199547), and loss-of-function variants in TAB2 are known to be pathogenic (PMID: 28386937, 31250519). This variant is not present in population databases (gnomAD no frequency). Disruption of this splice site has been observed in individual(s) with TAB2-related conditions (PMID: 32368696). In at least one individual the variant was observed to be de novo. Algorithms developed to predict the effect of sequence changes on RNA splicing suggest that this variant may disrupt the consensus splice site. For these reasons, this variant has been classified as Pathogenic.

Literature cited by the submitters: PubMed 16199547; PubMed 28386937; PubMed 31250519; PubMed 32368696.